The following is an entry in ClinVar:

NM_020338.4(ZMIZ1):c.650C>T (p.Ala217Val)

Gene: ZMIZ1 (zinc finger MIZ-type containing 1; plus strand). Cytogenetic location: 10q22.3.
Variant type: single nucleotide variant.
Coding change: c.650C>T on transcript NM_020338.4 (MANE Select); coding-DNA position 650, C replaced by T.
Protein change: p.Ala217Val; replaces alanine 217 with valine.
Molecular consequence: missense variant.
Genome position (GRCh38, 1-based): chr10:79,291,068, C>T. VCF-style: chr10-79291068-C-T. GRCh37 (hg19) VCF-style: chr10-81050825-C-T.
Other names: short protein forms A217V.
Identifiers: ClinVar variation 2908356 (VCV002908356.3), dbSNP rs759642942, ClinGen allele CA5572406.

ClinVar aggregate classification (germline): Uncertain significance (1 of 4 stars; one submission).

Allele frequency attached by ClinVar (database versions not stated): ExAC 0.00001; gnomAD exomes 0.00002; TOPMed 0.00002; gnomAD 0.00003.
gnomAD v4.1: 33 of 1,614,106 alleles (0.002%); highest among the groups gnomAD compares: Admixed American, 0.0083%; no homozygotes.

Submission:

Labcorp Genetics (formerly Invitae), Labcorp
Classification: Uncertain significance. Last evaluated: 2025-01-25. Review status: criteria provided, single submitter. Criteria: Invitae Variant Classification Sherloc (09022015). Collection method: clinical testing. Allele origin: germline.
Comment: This sequence change replaces alanine, which is neutral and non-polar, with valine, which is neutral and non-polar, at codon 217 of the ZMIZ1 protein (p.Ala217Val). This variant is present in population databases (rs759642942, gnomAD 0.01%). This variant has not been reported in the literature in individuals affected with ZMIZ1-related conditions. ClinVar contains an entry for this variant (Variation ID: 2908356). Invitae Evidence Modeling of protein sequence and biophysical properties (such as structural, functional, and spatial information, amino acid conservation, physicochemical variation, residue mobility, and thermodynamic stability) indicates that this missense variant is not expected to disrupt ZMIZ1 protein function with a negative predictive value of 95%. In summary, the available evidence is currently insufficient to determine the role of this variant in disease. Therefore, it has been classified as a Variant of Uncertain Significance.